The following is an entry in ClinVar:

NM_172351.3(CD46):c.96C>T (p.Ser32=)

Genes: CD46 (CD46 molecule; plus strand), LOC129932405 (ATAC-STARR-seq lymphoblastoid active region 2449; plus strand). Cytogenetic location: 1q32.2.
Variant type: single nucleotide variant.
Coding change: c.96C>T on transcript NM_172351.3 (MANE Select); coding-DNA position 96, C replaced by T.
Protein change: p.Ser32=; no amino-acid change (serine 32 retained).
Molecular consequence: synonymous variant.
Genome position (GRCh38, 1-based): chr1:207,752,308, C>T. VCF-style: chr1-207752308-C-T. GRCh37 (hg19) VCF-style: chr1-207925653-C-T.
Other names: c.96C>T, p.Ser32= (NM_002389.4, NM_153826.4, NM_172350.3 and 8 more transcripts).
Identifiers: ClinVar variation 2785845 (VCV002785845.3), dbSNP rs1436490870, ClinGen allele CA422962421.

ClinVar aggregate classification (germline): Uncertain significance (1 of 4 stars; one submission).

gnomAD v4.1: 1 of 1,613,850 alleles (0.000062%); no homozygotes.

Submission:

Labcorp Genetics (formerly Invitae), Labcorp
Classification: Uncertain significance. Last evaluated: 2022-12-25. Review status: criteria provided, single submitter. Criteria: Invitae Variant Classification Sherloc (09022015). Collection method: clinical testing. Allele origin: germline.
Comment: This sequence change affects codon 32 of the CD46 mRNA. It is a 'silent' change, meaning that it does not change the encoded amino acid sequence of the CD46 protein. It affects a nucleotide within the consensus splice site. This variant is present in population databases (no rsID available, gnomAD 0.003%). This variant has not been reported in the literature in individuals affected with CD46-related conditions. Algorithms developed to predict the effect of sequence changes on RNA splicing suggest that this variant is not likely to affect RNA splicing. In summary, the available evidence is currently insufficient to determine the role of this variant in disease. Therefore, it has been classified as a Variant of Uncertain Significance.